The following is an entry in ClinVar:

NM_001184880.2(PCDH19):c.1401G>T (p.Thr467=)

Gene: PCDH19 (protocadherin 19; minus strand). Cytogenetic location: Xq22.1.
Variant type: single nucleotide variant.
Coding change: c.1401G>T on transcript NM_001184880.2 (MANE Select); coding-DNA position 1401, G replaced by T.
Protein change: p.Thr467=; no amino-acid change (threonine 467 retained).
Molecular consequence: synonymous variant.
Genome position (GRCh38, 1-based): chrX:100,407,197, C>A on the plus strand (G>T on the coding strand, the complement: PCDH19 is on the minus strand). VCF-style: chrX-100407197-C-A. GRCh37 (hg19) VCF-style: chrX-99662195-C-A.
Other names: c.1401G>T, p.Thr467= (NM_001105243.2, NM_020766.3).
Identifiers: ClinVar variation 193190 (VCV000193190.14), dbSNP rs794726896, ClinGen allele CA238701.

ClinVar aggregate classification (germline): Conflicting classifications of pathogenicity. Review status: criteria provided, conflicting classifications (1 of 4 stars). 3 submissions from 3 submitters: Uncertain significance (1); Likely benign (2). Last evaluated 2025-03-17.

Conditions:
Developmental and epileptic encephalopathy, 9 (DEE9). Also called: EPILEPSY, FEMALE-RESTRICTED, WITH MENTAL RETARDATION; PCDH19-Related X-Linked Female-Limited Epilepsy with Mental Retardation; Early infantile epileptic encephalopathy 9; JUBERG-HELLMAN SYNDROME. Identifiers: Orphanet 101039, Orphanet 2076, MedGen C1848137, MONDO:0010246, OMIM 300088. Disease mechanism: loss of function.

Allele frequency attached by ClinVar (database versions not stated): gnomAD exomes 0.00001.

Submissions (3):

Labcorp Genetics (formerly Invitae), Labcorp
Classification: Likely benign for Developmental and epileptic encephalopathy, 9. Last evaluated: 2025-03-17. Review status: criteria provided, single submitter. Criteria: Invitae Variant Classification Sherloc (09022015). Collection method: clinical testing. Allele origin: germline.

GeneDx
Classification: Likely benign. Last evaluated: 2018-06-20. Review status: criteria provided, single submitter. Criteria: GeneDx Variant Classification (06012015). Collection method: clinical testing. Allele origin: germline. Affected: yes.
Comment: This variant is considered likely benign or benign based on one or more of the following criteria: it is a conservative change, it occurs at a poorly conserved position in the protein, it is predicted to be benign by multiple in silico algorithms, and/or has population frequency not consistent with disease.

Eurofins Ntd Llc (ga)
Classification: Uncertain significance. Last evaluated: 2014-11-26. Review status: criteria provided, single submitter. Criteria: EGL Classification Definitions 2015. Collection method: clinical testing. Allele origin: germline. Observed: 1 variant allele, 1 heterozygote.